The following is an entry in ClinVar:

NM_000059.4(BRCA2):c.5515G>A (p.Val1839Ile)

Gene: BRCA2 (BRCA2 DNA repair associated; plus strand). Cytogenetic location: 13q13.1.
Variant type: single nucleotide variant.
Coding change: c.5515G>A on transcript NM_000059.4 (MANE Select); coding-DNA position 5515, G replaced by A.
Protein change: p.Val1839Ile; replaces valine 1839 with isoleucine.
Molecular consequence: missense variant.
Genome position (GRCh38, 1-based): chr13:32,339,870, G>A. VCF-style: chr13-32339870-G-A. GRCh37 (hg19) VCF-style: chr13-32914007-G-A.
Other names: short protein forms V1839I.
Identifiers: ClinVar variation 483061 (VCV000483061.16), dbSNP rs776630512, ClinGen allele CA6940881.
Genomic context (GRCh38, chr13:32,339,870, plus strand): 5'-CCCTGCAAAAATAAAAATGCAGCCATTAAATTGTCCATATCTAATAGTAATAATTTTGAG[G>A]TAGGGCCACCTGCATTTAGGATAGCCAGTGGTAAAATCGTTTGTGTTTCACATGAAACAA-3'
Protein context (NP_000050.3, residues 1829-1849): LSISNSNNFE[Val1839Ile]GPPAFRIASG

ClinVar aggregate classification (germline): Conflicting classifications of pathogenicity. Review status: criteria provided, conflicting classifications (1 of 4 stars). 4 submissions from 4 submitters: Uncertain significance (2); Likely benign (2). Last evaluated 2025-05-08.

Conditions:
Hereditary breast ovarian cancer syndrome. Also called: Hereditary breast and ovarian cancer syndrome (HBOC); Breast and ovarian cancer; Hereditary breast and ovarian cancer syndrome; Hereditary breast and ovarian cancer; Hereditary breast and/or ovarian cancer syndrome; BRCA1- and BRCA2-Associated Hereditary Breast and Ovarian Cancer. Identifiers: Orphanet 145, MedGen C0677776, MeSH D061325, MONDO:0003582. Disease mechanism: loss of function.
Hereditary cancer-predisposing syndrome. Also called: Hereditary neoplastic syndrome; Neoplastic Syndromes, Hereditary; Tumor predisposition; Hereditary Cancer Syndrome. Identifiers: Orphanet 140162, MedGen C0027672, MeSH D009386, MONDO:0015356.
Breast-ovarian cancer, familial, susceptibility to, 2 (BROVCA2). Also called: BRCA2 Hereditary Breast and Ovarian Cancer. Identifiers: Orphanet 145, MedGen C2675520, MONDO:0012933, OMIM 612555. Disease mechanism: loss of function.

Allele frequency attached by ClinVar (database versions not stated): gnomAD exomes below 0.00001; ExAC 0.00001.

Submissions (4):

Myriad Genetics, Inc.
Classification: Likely benign for Breast-ovarian cancer, familial, susceptibility to, 2. Last evaluated: 2025-05-08. Review status: criteria provided, single submitter. Criteria: Myriad Autosomal Dominant, Autosomal Recessive and X-Linked Classification Criteria (2023). Collection method: clinical testing. Allele origin: unknown.
Comment: This variant is considered likely benign. This variant is strongly associated with less severe personal and family histories of cancer, typical for individuals without pathogenic variants in this gene [PMID: 25085752].

Ambry Genetics
Classification: Uncertain significance for Hereditary cancer-predisposing syndrome. Last evaluated: 2024-10-03. Review status: criteria provided, single submitter. Criteria: Ambry Variant Classification Scheme 2023. Collection method: clinical testing. Allele origin: germline.
Comment: The p.V1839I variant (also known as c.5515G>A), located in coding exon 10 of the BRCA2 gene, results from a G to A substitution at nucleotide position 5515. The valine at codon 1839 is replaced by isoleucine, an amino acid with highly similar properties. This alteration has been reported with a carrier frequency of 0.00014 in 7,051 unselected breast cancer patients and was not observed in 11,241 female controls of Japanese ancestry (Momozawa Y et al. Nat Commun, 2018 10;9:4083). This amino acid position is not well conserved in available vertebrate species, and isoleucine is the reference amino acid in other vertebrate species. In addition, this alteration is predicted to be tolerated by in silico analysis. Based on the available evidence, the clinical significance of this variant remains unclear.

University of Washington Department of Laboratory Medicine, University of Washington
Classification: Likely benign for Hereditary cancer-predisposing syndrome. Last evaluated: 2023-03-23. Review status: criteria provided, single submitter. Criteria: Dines et al. (Genet Med. 2020). Collection method: curation. Allele origin: germline.
Comment: Missense variant in a coldspot region where missense variants are very unlikely to be pathogenic (PMID:31911673).

BRCA2 exon 11 coldspot. Reclassification based on statistical prior probability.

Labcorp Genetics (formerly Invitae), Labcorp
Classification: Uncertain significance for Hereditary breast ovarian cancer syndrome. Last evaluated: 2022-02-22. Review status: criteria provided, single submitter. Criteria: Invitae Variant Classification Sherloc (09022015). Collection method: clinical testing. Allele origin: germline.
Comment: This missense change has been observed in individual(s) with breast cancer (PMID: 30287823). In summary, the available evidence is currently insufficient to determine the role of this variant in disease. Therefore, it has been classified as a Variant of Uncertain Significance. Advanced modeling of protein sequence and biophysical properties (such as structural, functional, and spatial information, amino acid conservation, physicochemical variation, residue mobility, and thermodynamic stability) performed at Invitae indicates that this missense variant is not expected to disrupt BRCA2 protein function. ClinVar contains an entry for this variant (Variation ID: 483061). This variant is present in population databases (rs776630512, gnomAD 0.007%). This sequence change replaces valine, which is neutral and non-polar, with isoleucine, which is neutral and non-polar, at codon 1839 of the BRCA2 protein (p.Val1839Ile).

Literature cited by the submitters: PubMed 25085752 (cited by Myriad Genetics, Inc.); PubMed 30287823 (cited by Ambry Genetics and Labcorp Genetics (formerly Invitae), Labcorp).